The following is an entry in ClinVar:

NM_032856.3(WDR73):c.[293T>C];[333delG]

Variant type: CompoundHeterozygote.
Identifiers: ClinVar variation 424740 (VCV000424740.2).

ClinVar aggregate classification (germline): Uncertain significance (0 of 4 stars; one submission).

Conditions:
Abnormality of neuronal migration. Identifiers: MedGen C1837249, HP:0002269.

Submission:

Génétique et pathophysiologie de maladies neurodéveloppementales et épileptogènes, Institut de génétique et de biologie moléculaire et cellulaire
Classification: Uncertain significance for Malformation of Cortical Development. Last evaluated: 2014-10-31. Review status: no assertion criteria provided. Collection method: clinical testing. Allele origin: maternal. Affected: yes. Observed: 4 variant alleles, 2 heterozygotes, 2 compound heterozygotes.